The following is an entry in ClinVar:

ClinVar aggregate classification (germline): Uncertain significance (1 of 4 stars; one submission).

Conditions:
Inborn genetic diseases. Identifiers: MedGen C0950123, MeSH D030342.

Submission:

Ambry Genetics
Classification: Uncertain significance for Inborn genetic diseases. Last evaluated: 2025-06-28. Review status: criteria provided, single submitter. Criteria: Ambry Variant Classification Scheme 2023. Collection method: clinical testing. Allele origin: germline.
Comment: The p.Y340S variant (also known as c.1019A>C), located in coding exon 8 of the SMAD2 gene, results from an A to C substitution at nucleotide position 1019. The tyrosine at codon 340 is replaced by serine, an amino acid with dissimilar properties. This amino acid position is conserved. In addition, this alteration is predicted to be deleterious by in silico analysis. Based on the available evidence, the clinical significance of this variant remains unclear.

NM_005901.6(SMAD2):c.1019A>C (p.Tyr340Ser)

Gene: SMAD2 (SMAD family member 2; minus strand). Cytogenetic location: 18q21.1.
Variant type: single nucleotide variant.
Coding change: c.1019A>C on transcript NM_005901.6 (MANE Select); coding-DNA position 1019, A replaced by C.
Protein change: p.Tyr340Ser; replaces tyrosine 340 with serine.
Molecular consequence: missense variant.
Genome position (GRCh38, 1-based): chr18:47,845,779, T>G on the plus strand (A>C on the coding strand, the complement: SMAD2 is on the minus strand). VCF-style: chr18-47845779-T-G. GRCh37 (hg19) VCF-style: chr18-45372150-T-G.
Other names: c.1019A>C, p.Tyr340Ser (NM_001003652.4); c.929A>C, p.Tyr310Ser (NM_001135937.3); short protein forms Y310S, Y340S.
Identifiers: ClinVar variation 4170013 (VCV004170013.1).